The following is an entry in ClinVar:

NM_007294.4(BRCA1):c.5176del (p.Arg1726fs)

Gene: BRCA1 (BRCA1 DNA repair associated; minus strand). Cytogenetic location: 17q21.31.
Variant type: Deletion.
Coding change: c.5176del on transcript NM_007294.4 (MANE Select); coding-DNA position 5176, one base deleted (A; older notation c.5176delA).
Protein change: p.Arg1726fs; shifts the reading frame from arginine 1726.
Molecular consequence: frameshift variant. On other transcripts: non-coding transcript variant (1).
Genome position (GRCh38, 1-based): chr17:43,063,350, T deleted on the plus strand (A on the coding strand, the reverse complement: BRCA1 is on the minus strand); the first of 3 consecutive T bases (chr17:43,063,350-43,063,352); deleting any one gives the same sequence. VCF-style (leftmost placement, unchanged base first): chr17-43063349-CT-C. GRCh37 (hg19) VCF-style: chr17-41215366-CT-C.
Other names: c.5176delA (NM_007294.3); c.4964delA, p.Arg1656Glufs (NM_001407886.1, NM_001407887.1, NM_001407889.1 and 5 more transcripts); c.4961delA, p.Arg1655Glufs (NM_001407571.1, NM_001407894.1, NM_001407895.1 and 12 more transcripts); c.5240delA, p.Arg1748Glufs (NM_001407581.1, NM_001407582.1); c.5237delA, p.Arg1747Glufs (NM_001407583.1, NM_001407585.1, NM_001407587.1); c.5234delA, p.Arg1746Glufs (NM_001407590.1, NM_001407591.1); c.5174delA, p.Arg1726Glufs (NM_001407593.1, NM_001407594.1, NM_001407596.1 and 7 more transcripts); c.5171delA, p.Arg1725Glufs (NM_001407610.1, NM_001407611.1, NM_001407612.1 and 17 more transcripts); and 76 more; short protein forms R1726fs, R622fs, R1679fs, R1747fs.
Identifiers: ClinVar variation 230276 (VCV000230276.14), dbSNP rs876658478, ClinGen allele CA10580497.

ClinVar aggregate classification (germline): Pathogenic. Review status: reviewed by expert panel (3 of 4 stars). 4 submissions from 4 submitters: Pathogenic (1). 3 of the submissions do not count toward it. Last evaluated 2017-12-15.

Conditions:
Hereditary cancer-predisposing syndrome. Also called: Tumor predisposition; Hereditary Cancer Syndrome; Neoplastic Syndromes, Hereditary; Hereditary neoplastic syndrome. Identifiers: Orphanet 140162, MedGen C0027672, MeSH D009386, MONDO:0015356.
Breast-ovarian cancer, familial, susceptibility to, 1 (BROVCA1). Also called: BRCA1 Hereditary Breast and Ovarian Cancer; OVARIAN CANCER, SUSCEPTIBILITY TO. Identifiers: Orphanet 145, MedGen C2676676, MONDO:0011450, OMIM 604370. Disease mechanism: loss of function.
Hereditary breast ovarian cancer syndrome. Also called: Breast and ovarian cancer; Hereditary breast and ovarian cancer; Hereditary breast and ovarian cancer syndrome; Hereditary breast and/or ovarian cancer syndrome; BRCA1- and BRCA2-Associated Hereditary Breast and Ovarian Cancer; Hereditary breast and ovarian cancer syndrome (HBOC). Identifiers: Orphanet 145, MedGen C0677776, MeSH D061325, MONDO:0003582. Disease mechanism: loss of function.

Submissions (4):

Evidence-based Network for the Interpretation of Germline Mutant Alleles (ENIGMA)
Classification: Pathogenic for Breast-ovarian cancer, familial, susceptibility to, 1. Last evaluated: 2017-12-15. Review status: reviewed by expert panel. Criteria: ENIGMA BRCA1/2 Classification Criteria (2017-06-29). Collection method: curation. Allele origin: germline. Study: ENIGMA.
Comment: Variant allele predicted to encode a truncated non-functional protein.

Labcorp Genetics (formerly Invitae), Labcorp
Classification: Pathogenic for Hereditary breast ovarian cancer syndrome. Last evaluated: 2024-08-06. Review status: criteria provided, single submitter. Criteria: Invitae Variant Classification Sherloc (09022015). Collection method: clinical testing. Allele origin: germline. Not counted in ClinVar's aggregate classification.
Comment: This sequence change creates a premature translational stop signal (p.Arg1726Glufs*4) in the BRCA1 gene. It is expected to result in an absent or disrupted protein product. Loss-of-function variants in BRCA1 are known to be pathogenic (PMID: 20104584). This variant is not present in population databases (gnomAD no frequency). This variant has not been reported in the literature in individuals affected with BRCA1-related conditions. ClinVar contains an entry for this variant (Variation ID: 230276). For these reasons, this variant has been classified as Pathogenic.

Quest Diagnostics Nichols Institute San Juan Capistrano
Classification: Pathogenic. Last evaluated: 2018-07-15. Review status: criteria provided, single submitter. Criteria: Quest Diagnostics criteria. Collection method: clinical testing. Allele origin: germline. Not counted in ClinVar's aggregate classification.

Ambry Genetics
Classification: Pathogenic for Hereditary cancer-predisposing syndrome. Last evaluated: 2015-01-29. Review status: criteria provided, single submitter. Criteria: Ambry Variant Classification Scheme 2023. Collection method: clinical testing. Allele origin: germline. Not counted in ClinVar's aggregate classification.
Comment: The c.5176delA (also known as 5295delA) pathogenic mutation, located in coding exon 17 of the BRCA1 gene, results from a deletion of one nucleotide at nucleotide position 5176, causing a translational frameshift with a predicted alternate stop codon. Since frameshifts are typically deleterious in nature, this alteration is interpreted as a disease-causing mutation (ACMG Recommendations for Standards for Interpretation and Reporting of Sequence Variations. Revision 2007. Genet Med. 2008;10:294).

Literature cited by the submitters: PubMed 20104584 (cited by Labcorp Genetics (formerly Invitae), Labcorp).